The following is an entry in ClinVar:

NM_000051.4(ATM):c.7316T>C (p.Val2439Ala)

Genes: ATM (ATM serine/threonine kinase; plus strand), C11orf65 (chromosome 11 open reading frame 65; minus strand). Cytogenetic location: 11q22.3.
Variant type: single nucleotide variant.
Coding change: c.7316T>C on transcript NM_000051.4 (MANE Select); coding-DNA position 7316, T replaced by C.
Protein change: p.Val2439Ala; replaces valine 2439 with alanine.
Molecular consequence: missense variant. On other transcripts: intron variant (2).
Genome position (GRCh38, 1-based): chr11:108,330,222, T>C. VCF-style: chr11-108330222-T-C. GRCh37 (hg19) VCF-style: chr11-108200949-T-C.
Other names: c.7316T>C, p.Val2439Ala (NM_001351834.2); c.641-21151A>G (NM_001330368.2); c.*38+4998A>G (NM_001351110.2); short protein forms V2439A.
Identifiers: ClinVar variation 185361 (VCV000185361.43), dbSNP rs776266049, ClinGen allele CA191724.

ClinVar aggregate classification (germline): Conflicting classifications of pathogenicity. Review status: criteria provided, conflicting classifications (1 of 4 stars). 10 submissions from 10 submitters: Uncertain significance (8); Likely benign (1). 1 of the submissions does not count toward it. Last evaluated 2025-12-10.

Conditions:
Hereditary cancer-predisposing syndrome. Also called: Hereditary Cancer Syndrome; Tumor predisposition; Neoplastic Syndromes, Hereditary; Hereditary neoplastic syndrome. Identifiers: Orphanet 140162, MedGen C0027672, MeSH D009386, MONDO:0015356.
Hereditary breast ovarian cancer syndrome. Also called: Hereditary breast and ovarian cancer syndrome; Hereditary breast and ovarian cancer syndrome (HBOC); Hereditary breast and ovarian cancer; Hereditary breast and/or ovarian cancer syndrome; BRCA1- and BRCA2-Associated Hereditary Breast and Ovarian Cancer; Breast and ovarian cancer. Identifiers: Orphanet 145, MedGen C0677776, MeSH D061325, MONDO:0003582. Disease mechanism: loss of function.
Familial cancer of breast. Also called: hereditary breast carcinoma; BREAST CANCER, FAMILIAL; Hereditary breast cancer. Identifiers: Orphanet 227535, MedGen C0346153, MONDO:0016419, OMIM 114480. Disease mechanism: loss of function.
Ataxia-telangiectasia syndrome (AT). Also called: ATAXIA-TELANGIECTASIA, COMPLEMENTATION GROUP A; ATAXIA-TELANGIECTASIA, FRESNO VARIANT; Ataxia-telangiectasia; Ataxia-telangiectasia, complementation group E; Cerebello-oculocutaneous telangiectasia; Immunodeficiency with ataxia telangiectasia. Identifiers: Orphanet 100, MedGen C0004135, MONDO:0008840, OMIM 208900.

Allele frequency attached by ClinVar (database versions not stated): gnomAD exomes below 0.00001; ExAC 0.00001; gnomAD 0.00001; TOPMed 0.00001.
gnomAD v4.1: 6 of 1,613,934 alleles (0.00037%); highest among the groups gnomAD compares: Non-Finnish European, 0.00042%; no homozygotes.

Submissions (10):

Labcorp Genetics (formerly Invitae), Labcorp
Classification: Uncertain significance for Ataxia-telangiectasia syndrome. Last evaluated: 2025-12-10. Review status: criteria provided, single submitter. Criteria: Invitae Variant Classification Sherloc (09022015). Collection method: clinical testing. Allele origin: germline.
Comment: This sequence change replaces valine, which is neutral and non-polar, with alanine, which is neutral and non-polar, at codon 2439 of the ATM protein (p.Val2439Ala). This variant is present in population databases (rs776266049, gnomAD 0.002%). This missense change has been observed in individual(s) with breast cancer, kidney cancer, and/or prostate cancer (PMID: 12810666, 19781682, 29684080, 32658311, 32986223, 35886069). ClinVar contains an entry for this variant (Variation ID: 185361). Invitae Evidence Modeling of protein sequence and biophysical properties (such as structural, functional, and spatial information, amino acid conservation, physicochemical variation, residue mobility, and thermodynamic stability) indicates that this missense variant is not expected to disrupt ATM protein function with a negative predictive value of 95%. In summary, the available evidence is currently insufficient to determine the role of this variant in disease. Therefore, it has been classified as a Variant of Uncertain Significance.

Ambry Genetics
Classification: Uncertain significance for Hereditary cancer-predisposing syndrome. Last evaluated: 2025-06-17. Review status: criteria provided, single submitter. Criteria: Ambry Variant Classification Scheme 2023. Collection method: clinical testing. Allele origin: germline.
Comment: The p.V2439A variant (also known as c.7316T>C), located in coding exon 49 of the ATM gene, results from a T to C substitution at nucleotide position 7316. The valine at codon 2439 is replaced by alanine, an amino acid with similar properties. This alteration has been detected in 2/4112 breast cancer patients and 0/2399 healthy control individuals across numerous studies (Tavtigian SV et al. Am J Hum Genet. 2009 Oct; 85(4):427-46). This alteration was also identified in 0/87 patients with CS or BRRS and 1/3476 patients from The Cancer Genome Atlas (TCGA) (Yehia L et al. PLoS Genet, 2018 04;14:e1007352) as well as in 1/104 cases of familial cancer patients in an Italian cohort (Paduano F et al. Genes (Basel) 2022 Jul;13(7)). This amino acid position is not well conserved in available vertebrate species. In addition, this alteration is predicted to be tolerated by in silico analysis. Based on the available evidence, the clinical significance of this variant remains unclear.

German Consortium for Hereditary Breast and Ovarian Cancer, University Hospital Cologne
Classification: Likely benign for Hereditary breast ovarian cancer syndrome. Last evaluated: 2025-04-02. Review status: criteria provided, single submitter. Criteria: ClinGen ATM V1.3.0. Collection method: curation. Allele origin: germline.
Comment: According to the ClinGen ACMG ATM v1.3.0 criteria we chose these criteria: PM2 (supporting pathogenic): gnomAD v.4.1.0: 7.200e-7, BS3 (medium benign): Andreassen et al.: BS3

Department of Pathology and Laboratory Medicine, Sinai Health System
Classification: Uncertain significance for Familial cancer of breast. Last evaluated: 2024-12-11. Review status: criteria provided, single submitter. Criteria: ACMG Guidelines, 2015. Collection method: clinical testing. Allele origin: germline. Affected: yes.

Color Diagnostics, LLC DBA Color Health
Classification: Uncertain significance for Hereditary cancer-predisposing syndrome. Last evaluated: 2024-06-13. Review status: criteria provided, single submitter. Criteria: ACMG Guidelines, 2015. Collection method: clinical testing. Allele origin: germline.
Comment: This missense variant replaces valine with alanine at codon 2439 of the ATM protein. Computational prediction suggests that this variant may not impact protein structure and function. To our knowledge, functional studies have not been reported for this variant. This variant has been reported in individuals with a personal and/or family history of prostate cancer, breast cancer, and/or ovarian cancer (PMID: 12810666, 19781682, 32658311, 32986223, 35886069). This variant has been identified in 2/282380 chromosomes in the general population by the Genome Aggregation Database (gnomAD). The available evidence is insufficient to determine the role of this variant in disease conclusively. Therefore, this variant is classified as a Variant of Uncertain Significance.

Baylor Genetics
Classification: Uncertain significance for Familial cancer of breast. Last evaluated: 2024-01-17. Review status: criteria provided, single submitter. Criteria: ACMG Guidelines, 2015. Collection method: clinical testing. Allele origin: unknown.

GeneDx
Classification: Uncertain significance. Last evaluated: 2022-08-08. Review status: criteria provided, single submitter. Criteria: GeneDx Variant Classification Process June 2021. Collection method: clinical testing. Allele origin: germline. Affected: yes.
Comment: Not observed at significant frequency in large population cohorts (gnomAD); In silico analysis supports that this missense variant does not alter protein structure/function; Identified in patients with prostate, breast, and/or ovarian cancer, including one individual who also carried a pathogenic BRCA2 variant (Thorstenson et al., 2003; Tavtigian et al., 2009; Akcay et al., 2020; Bandeira et al., 2021; Paduano et al., 2022); This variant is associated with the following publications: (PMID: 19781682, 12810666, 24970356, 26193622, 32986223, 32658311, 23532176, 35886069)

Women's Health and Genetics/Laboratory Corporation of America, LabCorp
Classification: Uncertain significance. Last evaluated: 2021-03-10. Review status: criteria provided, single submitter. Criteria: LabCorp Variant Classification Summary - May 2015. Collection method: clinical testing. Allele origin: germline.
Comment: Variant summary: ATM c.7316T>C (p.Val2439Ala) results in a non-conservative amino acid change located in the PIK-related kinase, FAT domain (IPR003151) of the encoded protein sequence. Three of five in-silico tools predict a benign effect of the variant on protein function. The variant allele was found at a frequency of 3.9e-06 in 256756 control chromosomes (gnomAD and publication data). The available data on variant occurrences in the general population are insufficient to allow any conclusion about variant significance. c.7316T>C has been reported in the literature in individuals affected with Breast Cancer (Thorstenson_2003, Akcay_2020, Bandeira_2020) as well as one individual with severe short stature of unknown etiology (Guo_2014). These reports do not provide unequivocal conclusions about association of the variant with Breast Cancer. One co-occurrence with another pathogenic variant has been reported (BRCA2 c.5909C>A, p.Ser1970X, Bandeira_2020), providing supporting evidence for a benign role. To our knowledge, no experimental evidence demonstrating an impact on protein function has been reported. Five ClinVar submitters (evaluation after 2014) cite the variant as uncertain significance. Based on the evidence outlined above, the variant was classified as uncertain significance.

Mendelics
Classification: Uncertain significance for Ataxia-telangiectasia syndrome. Last evaluated: 2019-05-28. Review status: criteria provided, single submitter. Criteria: Mendelics Assertion Criteria 2017. Collection method: clinical testing. Allele origin: unknown.

Natera, Inc.
Classification: Uncertain significance for Ataxia-telangiectasia. Last evaluated: 2020-07-20. Review status: no assertion criteria provided. Collection method: clinical testing. Allele origin: germline. Not counted in ClinVar's aggregate classification.

Literature cited by the submitters: PubMed 12810666 (cited by 5 submitters); PubMed 19781682 (cited by 5 submitters); PubMed 29684080 (cited by 3 submitters); PubMed 32658311 (cited by 4 submitters); PubMed 32986223 (cited by 4 submitters); PubMed 35886069 (cited by 3 submitters); PubMed 26193622 (cited by Women's Health and Genetics/Laboratory Corporation of America, LabCorp); PubMed 24970356 (cited by Women's Health and Genetics/Laboratory Corporation of America, LabCorp).